The following is an entry in ClinVar:

NM_012469.4(PRPF6):c.314A>G (p.Tyr105Cys)

Gene: PRPF6 (pre-mRNA processing factor 6; plus strand). Cytogenetic location: 20q13.33.
Variant type: single nucleotide variant.
Coding change: c.314A>G on transcript NM_012469.4 (MANE Select); coding-DNA position 314, A replaced by G.
Protein change: p.Tyr105Cys; replaces tyrosine 105 with cysteine.
Molecular consequence: missense variant.
Genome position (GRCh38, 1-based): chr20:63,984,980, A>G. VCF-style: chr20-63984980-A-G. GRCh37 (hg19) VCF-style: chr20-62616333-A-G.
Other names: short protein forms Y105C.
Identifiers: ClinVar variation 970325 (VCV000970325.10), dbSNP rs1249486746, ClinGen allele CA409798257.

ClinVar aggregate classification (germline): Uncertain significance. Review status: criteria provided, multiple submitters, no conflicts (2 of 4 stars). 2 submissions from 2 submitters: Uncertain significance (2). Last evaluated 2025-10-08.

Allele frequency attached by ClinVar (database versions not stated): gnomAD exomes below 0.00001.
gnomAD v4.1: 2 of 1,613,822 alleles (0.00012%); highest among the groups gnomAD compares: South Asian, 0.0011%; no homozygotes.

Submissions (2):

Labcorp Genetics (formerly Invitae), Labcorp
Classification: Uncertain significance. Last evaluated: 2025-10-08. Review status: criteria provided, single submitter. Criteria: Invitae Variant Classification Sherloc (09022015). Collection method: clinical testing. Allele origin: germline.
Comment: This sequence change replaces tyrosine, which is neutral and polar, with cysteine, which is neutral and slightly polar, at codon 105 of the PRPF6 protein (p.Tyr105Cys). This variant is present in population databases (no rsID available, gnomAD 0.0009%). This missense change has been observed in individual(s) with early-onset high myopia or retinal dystrophy (PMID: 29453956; internal data). ClinVar contains an entry for this variant (Variation ID: 970325). Invitae Evidence Modeling of protein sequence and biophysical properties (such as structural, functional, and spatial information, amino acid conservation, physicochemical variation, residue mobility, and thermodynamic stability) indicates that this missense variant is expected to disrupt PRPF6 protein function with a positive predictive value of 80%. In summary, the available evidence is currently insufficient to determine the role of this variant in disease. Therefore, it has been classified as a Variant of Uncertain Significance.

Blueprint Genetics
Classification: Uncertain significance. Last evaluated: 2021-05-26. Review status: criteria provided, single submitter. Criteria: ACMG Guidelines, 2015. Collection method: clinical testing. Allele origin: germline.

Literature cited by the submitters: PubMed 29453956 (cited by Labcorp Genetics (formerly Invitae), Labcorp).